The following is an entry in ClinVar:

ClinVar aggregate classification (germline): Benign (1 of 4 stars; one submission).

Allele frequency attached by ClinVar (database versions not stated): gnomAD exomes 0.42451; gnomAD 0.51293 and 0.51497; TOPMed 0.52456; 1000 Genomes Project 30x 0.59354; 1000 Genomes Project 0.59585.
gnomAD v4.1: 634,846 of 1,459,948 alleles (43%); highest among the groups gnomAD compares: East Asian, 78%; 146,586 homozygotes.

Submission:

GeneDx
Classification: Benign. Last evaluated: 2018-06-14. Review status: criteria provided, single submitter. Criteria: GeneDx Variant Classification (06012015). Collection method: clinical testing. Allele origin: germline. Affected: yes.
Comment: This variant is considered likely benign or benign based on one or more of the following criteria: it is a conservative change, it occurs at a poorly conserved position in the protein, it is predicted to be benign by multiple in silico algorithms, and/or has population frequency not consistent with disease.

NM_182961.4(SYNE1):c.4689+59G>A

Gene: SYNE1 (spectrin repeat containing nuclear envelope protein 1; minus strand). Cytogenetic location: 6q25.2.
Variant type: single nucleotide variant.
Coding change: c.4689+59G>A on transcript NM_182961.4 (MANE Select); 59 bases into the intron after coding-DNA position 4689, G replaced by A.
Molecular consequence: intron variant.
Genome position (GRCh38, 1-based): chr6:152,430,423, C>T on the plus strand (G>A on the coding strand, the complement: SYNE1 is on the minus strand). VCF-style: chr6-152430423-C-T. GRCh37 (hg19) VCF-style: chr6-152751558-C-T.
Other names: c.4710+59G>A (NM_033071.5).
Identifiers: ClinVar variation 670635 (VCV000670635.1), dbSNP rs553642, ClinGen allele CA150219218.